The following is an entry in ClinVar:

ClinVar aggregate classification (germline): Conflicting classifications of pathogenicity. Review status: criteria provided, conflicting classifications (1 of 4 stars). 2 submissions from 2 submitters: Likely pathogenic (1); Uncertain significance (1). Last evaluated 2025-05-23.

Allele frequency attached by ClinVar (database versions not stated): gnomAD exomes 0.00003; ExAC 0.00004; TOPMed 0.00006; ESP Exome Variant Server 0.00008; gnomAD 0.00008.
gnomAD v4.1: 58 of 1,613,668 alleles (0.0036%); highest among the groups gnomAD compares: African/African-American, 0.013%; no homozygotes.

Submissions (2):

Women's Health and Genetics/Laboratory Corporation of America, LabCorp
Classification: Uncertain significance. Last evaluated: 2025-05-23. Review status: criteria provided, single submitter. Criteria: LabCorp Variant Classification Summary - May 2015. Collection method: clinical testing. Allele origin: germline.
Comment: Variant summary: TMPRSS3 c.1160C>T (p.Ala387Val) results in a non-conservative amino acid change located in the Serine proteases, trypsin domain (IPR001254) of the encoded protein sequence. Algorithms developed to predict the effect of missense changes on protein structure and function all suggest that this variant is likely to be disruptive. The variant allele was found at a frequency of 4.4e-05 in 251024 control chromosomes. This frequency is not significantly higher than estimated for a pathogenic variant in TMPRSS3 causing Deafness, Autosomal Recessive 8, allowing no conclusion about variant significance. To our knowledge, no occurrence of c.1160C>T in individuals affected with Deafness, Autosomal Recessive 8 and no experimental evidence demonstrating its impact on protein function have been reported. A different variant affecting the same codon has been classified as pathogenic by our lab (c.1159G>A, p.Ala387Thr), supporting the critical relevance of codon 387 to TMPRSS3 protein function. ClinVar contains an entry for this variant (Variation ID: 3017257). Based on the evidence outlined above, the variant was classified as uncertain significance.

Labcorp Genetics (formerly Invitae), Labcorp
Classification: Likely pathogenic. Last evaluated: 2023-12-09. Review status: criteria provided, single submitter. Criteria: Invitae Variant Classification Sherloc (09022015). Collection method: clinical testing. Allele origin: germline.
Comment: This sequence change replaces alanine, which is neutral and non-polar, with valine, which is neutral and non-polar, at codon 387 of the TMPRSS3 protein (p.Ala387Val). This variant is present in population databases (rs201172277, gnomAD 0.01%). This variant has not been reported in the literature in individuals affected with TMPRSS3-related conditions. Advanced modeling of protein sequence and biophysical properties (such as structural, functional, and spatial information, amino acid conservation, physicochemical variation, residue mobility, and thermodynamic stability) performed at Invitae indicates that this missense variant is expected to disrupt TMPRSS3 protein function with a positive predictive value of 95%. This variant disrupts the p.Ala378 amino acid residue in TMPRSS3. Other variant(s) that disrupt this residue have been determined to be pathogenic (PMID: 24130743, 25770132, 33297549). This suggests that this residue is clinically significant, and that variants that disrupt this residue are likely to be disease-causing. In summary, the currently available evidence indicates that the variant is pathogenic, but additional data are needed to prove that conclusively. Therefore, this variant has been classified as Likely Pathogenic.

Literature cited by the submitters: PubMed 24130743 (cited by Labcorp Genetics (formerly Invitae), Labcorp); PubMed 25770132 (cited by Labcorp Genetics (formerly Invitae), Labcorp); PubMed 33297549 (cited by Labcorp Genetics (formerly Invitae), Labcorp).

NM_001256317.3(TMPRSS3):c.1157C>T (p.Ala386Val)

Gene: TMPRSS3 (transmembrane serine protease 3; minus strand). Cytogenetic location: 21q22.3.
Variant type: single nucleotide variant.
Coding change: c.1157C>T on transcript NM_001256317.3 (MANE Select); coding-DNA position 1157, C replaced by T.
Protein change: p.Ala386Val; replaces alanine 386 with valine.
Molecular consequence: missense variant.
Genome position (GRCh38, 1-based): chr21:42,376,575, G>A on the plus strand (C>T on the coding strand, the complement: TMPRSS3 is on the minus strand). VCF-style: chr21-42376575-G-A. GRCh37 (hg19) VCF-style: chr21-43796684-G-A.
Other names: c.1160C>T, p.Ala387Val (NM_024022.4); c.779C>T, p.Ala260Val (NM_032404.3); short protein forms A260V, A386V, A387V.
Identifiers: ClinVar variation 3017257 (VCV003017257.5), dbSNP rs201172277, ClinGen allele CA10042324.
Genomic context (GRCh38, chr21:42,376,575, plus strand): 5'-CCTCGCCCACCGCTGCGGCCCCGTACCTGGCAGCTGTCCACGCCACCCGTCAGGTAGCCC[G>A]CGCAGAGCATGGAGGGGGAGATGATGCCACCGTACACGTCCCTGTGGTTGCAGATCTTGT-3'
Protein context (NP_001243246.1, residues 376-396): GGIISPSMLC[Ala386Val]GYLTGGVDSC